The following is an entry in ClinVar:

NM_001354604.2(MITF):c.662T>C (p.Met221Thr)

Gene: MITF (melanocyte inducing transcription factor; plus strand). Cytogenetic location: 3p13.
Variant type: single nucleotide variant.
Coding change: c.662T>C on transcript NM_001354604.2 (MANE Select); coding-DNA position 662, T replaced by C.
Protein change: p.Met221Thr; replaces methionine 221 with threonine.
Molecular consequence: missense variant.
Genome position (GRCh38, 1-based): chr3:69,939,177, T>C. VCF-style: chr3-69939177-T-C. GRCh37 (hg19) VCF-style: chr3-69988328-T-C.
Other names: c.341T>C, p.Met114Thr (NM_000248.4, NM_198158.3); c.506T>C, p.Met169Thr (NM_001184967.2, NM_001354608.2); c.659T>C, p.Met220Thr (NM_001354605.2, NM_001354606.2, NM_006722.3); c.611T>C, p.Met204Thr (NM_001354607.2); c.662T>C, p.Met221Thr (NM_198159.3); c.614T>C, p.Met205Thr (NM_198177.3); c.173T>C, p.Met58Thr (NM_198178.3); short protein forms M169T, M204T, M221T, M114T, M58T, M205T, M220T.
Identifiers: ClinVar variation 4648533 (VCV004648533.1).
Genomic context (GRCh38, chr3:69,939,177, plus strand): 5'-AGCAAAACAGGGCAGAGAGCGAGTGCCCAGGCATGAACACACATTCACGAGCGTCCTGTA[T>C]GCAGGTACTGAATGACTTGGCAGCCTGAGGATGAACACTTTGTAATGAGAATCTATATTT-3'
Protein context (NP_001341533.1, residues 211-231): GMNTHSRASC[Met221Thr]QMDDVIDDII

ClinVar aggregate classification (germline): Uncertain significance (1 of 4 stars; one submission).

Conditions:
Hereditary cancer-predisposing syndrome. Also called: Neoplastic Syndromes, Hereditary; Tumor predisposition; Hereditary Cancer Syndrome; Hereditary neoplastic syndrome. Identifiers: Orphanet 140162, MedGen C0027672, MeSH D009386, MONDO:0015356.

Submission:

Ambry Genetics
Classification: Uncertain significance for Hereditary cancer-predisposing syndrome. Last evaluated: 2025-09-28. Review status: criteria provided, single submitter. Criteria: Ambry Variant Classification Scheme 2023. Collection method: clinical testing. Allele origin: germline.
Comment: The p.M114T variant (also known as c.341T>C), located in coding exon 3 of the MITF gene, results from a T to C substitution at nucleotide position 341. The methionine at codon 114 is replaced by threonine, an amino acid with similar properties. This amino acid position is conserved. In addition, the in silico prediction for this alteration is inconclusive. Based on the available evidence, the clinical significance of this variant remains unclear.